The following is an entry in ClinVar:

ClinVar aggregate classification (germline): Likely benign (1 of 4 stars; one submission).

gnomAD v4.1: 1 of 1,588,106 alleles (0.000063%); highest among the groups gnomAD compares: Admixed American, 0.0019%; no homozygotes.

Submission:

CeGaT Center for Human Genetics Tuebingen
Classification: Likely benign. Last evaluated: 2026-06-01. Review status: criteria provided, single submitter. Criteria: CeGaT Center For Human Genetics Tuebingen Variant Classification Criteria Version 2. Collection method: clinical testing. Allele origin: germline. Affected: yes. Observed: 1 variant allele.
Comment: NUP107: BP4, BP7

NM_020401.4(NUP107):c.1959T>C (p.His653=)

Gene: NUP107 (nucleoporin 107; plus strand). Cytogenetic location: 12q15.
Variant type: single nucleotide variant.
Coding change: c.1959T>C on transcript NM_020401.4 (MANE Select); coding-DNA position 1959, T replaced by C.
Protein change: p.His653=; no amino-acid change (histidine 653 retained).
Molecular consequence: synonymous variant.
Genome position (GRCh38, 1-based): chr12:68,731,680, T>C. VCF-style: chr12-68731680-T-C. GRCh37 (hg19) VCF-style: chr12-69125460-T-C.
Other names: c.1872T>C, p.His624= (NM_001330192.2).
Identifiers: ClinVar variation 4872341 (VCV004872341.2).